The following is an entry in ClinVar:

ClinVar aggregate classification (germline): Benign/Likely benign. Review status: criteria provided, multiple submitters, no conflicts (2 of 4 stars). 5 submissions from 5 submitters: Benign (1); Likely benign (4). Last evaluated 2025-11-17.

Conditions:
Juvenile polyposis syndrome (JPS). Identifiers: Orphanet 2929, MedGen C0345893, MONDO:0017380, OMIM 174900.
Hereditary cancer-predisposing syndrome. Also called: Tumor predisposition; Neoplastic Syndromes, Hereditary; Hereditary Cancer Syndrome; Hereditary neoplastic syndrome. Identifiers: Orphanet 140162, MedGen C0027672, MeSH D009386, MONDO:0015356.

Allele frequency attached by ClinVar (database versions not stated): gnomAD exomes 0.00001 and below 0.00001; ESP Exome Variant Server 0.00008; ExAC 0.00001.
gnomAD v4.1: 6 of 1,614,036 alleles (0.00037%); highest among the groups gnomAD compares: South Asian, 0.0011%; no homozygotes.

Submissions (5):

Labcorp Genetics (formerly Invitae), Labcorp
Classification: Likely benign for Juvenile polyposis syndrome. Last evaluated: 2025-11-17. Review status: criteria provided, single submitter. Criteria: Invitae Variant Classification Sherloc (09022015). Collection method: clinical testing. Allele origin: germline.

Myriad Genetics, Inc.
Classification: Benign for Juvenile polyposis syndrome. Last evaluated: 2024-08-01. Review status: criteria provided, single submitter. Criteria: Myriad Autosomal Dominant, Autosomal Recessive and X-Linked Classification Criteria (2023). Collection method: clinical testing. Allele origin: unknown.
Comment: This variant is considered benign. This variant is a silent/synonymous amino acid change and it is not expected to impact splicing.

All of Us Research Program, National Institutes of Health
Classification: Likely benign for Juvenile polyposis syndrome. Last evaluated: 2024-03-14. Review status: criteria provided, single submitter. Criteria: ACMG Guidelines, 2015. Collection method: clinical testing. Allele origin: germline. Inheritance: Autosomal dominant inheritance. Observed: 1 variant allele, 1 heterozygote.
Comment: This study involves interpretation of variants in research participants for the purpose of population health screening. Participant phenotype was not available at the time of variant classification. Additional details can be found in publication PMID: 35346344, PMCID: PMC8962531

Color Diagnostics, LLC DBA Color Health
Classification: Likely benign for Hereditary cancer-predisposing syndrome. Last evaluated: 2020-01-28. Review status: criteria provided, single submitter. Criteria: ACMG Guidelines, 2015. Collection method: clinical testing. Allele origin: germline.

Ambry Genetics
Classification: Likely benign for Hereditary cancer-predisposing syndrome. Last evaluated: 2019-02-27. Review status: criteria provided, single submitter. Criteria: Ambry Variant Classification Scheme 2023. Collection method: clinical testing. Allele origin: germline.

NM_004329.3(BMPR1A):c.594A>G (p.Ala198=)

Gene: BMPR1A (bone morphogenetic protein receptor type 1A; plus strand). Cytogenetic location: 10q23.2.
Variant type: single nucleotide variant.
Coding change: c.594A>G on transcript NM_004329.3 (MANE Select); coding-DNA position 594, A replaced by G.
Protein change: p.Ala198=; no amino-acid change (alanine 198 retained).
Molecular consequence: synonymous variant.
Genome position (GRCh38, 1-based): chr10:86,912,303, A>G. VCF-style: chr10-86912303-A-G. GRCh37 (hg19) VCF-style: chr10-88672060-A-G.
Identifiers: ClinVar variation 416799 (VCV000416799.22), dbSNP rs369860867, ClinGen allele CA5585563.